The following is an entry in ClinVar:

ClinVar aggregate classification (germline): Pathogenic/Likely pathogenic. Review status: criteria provided, multiple submitters, no conflicts (2 of 4 stars). 2 submissions from 2 submitters: Pathogenic (1); Likely pathogenic (1). Last evaluated 2024-12-16.

Conditions:
Seizures, benign familial infantile, 3 (BFIS3). Also called: CONVULSIONS, BENIGN FAMILIAL INFANTILE, 3; Familial neonatal seizures. Identifiers: Orphanet 140927, Orphanet 306, MedGen C1843140, MONDO:0011904, OMIM 607745.
Developmental and epileptic encephalopathy, 11 (DEE11). Also called: Early infantile epileptic encephalopathy 11. Identifiers: Orphanet 1934, MedGen C3150987, MONDO:0013388, OMIM 613721.

Submissions (2):

Labcorp Genetics (formerly Invitae), Labcorp
Classification: Pathogenic for Seizures, benign familial infantile, 3; Developmental and epileptic encephalopathy, 11. Last evaluated: 2024-12-16. Review status: criteria provided, single submitter. Criteria: Invitae Variant Classification Sherloc (09022015). Collection method: clinical testing. Allele origin: germline.
Comment: This sequence change replaces glutamic acid, which is acidic and polar, with glycine, which is neutral and non-polar, at codon 430 of the SCN2A protein (p.Glu430Gly). This variant is not present in population databases (gnomAD no frequency). This missense change has been observed in individual(s) with early infantile epileptic encephalopathy (PMID: 24659627). In at least one individual the variant was observed to be de novo. ClinVar contains an entry for this variant (Variation ID: 207056). Invitae Evidence Modeling of protein sequence and biophysical properties (such as structural, functional, and spatial information, amino acid conservation, physicochemical variation, residue mobility, and thermodynamic stability) indicates that this missense variant is expected to disrupt SCN2A protein function with a positive predictive value of 95%. This variant disrupts the p.Glu430 amino acid residue in SCN2A. Other variant(s) that disrupt this residue have been determined to be pathogenic (PMID: 17386050). This suggests that this residue is clinically significant, and that variants that disrupt this residue are likely to be disease-causing. For these reasons, this variant has been classified as Pathogenic.

GeneDx
Classification: Likely pathogenic. Last evaluated: 2012-09-13. Review status: criteria provided, single submitter. Criteria: GeneDx Variant Classification (06012015). Collection method: clinical testing. Allele origin: germline. Affected: yes.
Comment: p.Glu430Gly (GAA>GGA):c.1289 A>G in exon 10 of the SCN2A gene (NM_021007.2). The Glu430Gly missense change was previously identified in a large family with benign familial neonatal-infantile seizures (BFNIS) and was not detected in 88 control individuals (Herlenius et al., 2007). However, one individual in that family with a history of an infantile seizure did not inherit the variant, which could represent incomplete segregation of Glu430Gly with the phenotype or indicate that individual's seizure was unrelated to BFNIS. The NHLBI ESP Exome Variant Project has not identified Glu430Gly in approximately 6,500 individuals of European or African American ethnicity, indicating that it is not a common benign variant in these populations. The amino acid substitution is non-conservative, as a negatively charged Glutamic acid residue is replaced by a smaller, uncharged and non-polar Glycine residue. Glu430Gly alters a highly conserved position in the loop between the first and second transmembrane domains, and multiple in silico algorithms predict Glu430Gly is likely damaging to protein structure/function. Therefore, the currently available evidence suggests that Glu430Gly may be associated with epilepsy, but the possibility that is a benign variant cannot be entirely excluded. The variant is found in INFANT-EPI panel(s).

Literature cited by the submitters: PubMed 24659627 (cited by Labcorp Genetics (formerly Invitae), Labcorp); PubMed 17386050 (cited by Labcorp Genetics (formerly Invitae), Labcorp).

NM_001040142.2(SCN2A):c.1289A>G (p.Glu430Gly)

Gene: SCN2A (sodium voltage-gated channel alpha subunit 2; plus strand). Cytogenetic location: 2q24.3.
Variant type: single nucleotide variant.
Coding change: c.1289A>G on transcript NM_001040142.2 (MANE Select); coding-DNA position 1289, A replaced by G.
Protein change: p.Glu430Gly; replaces glutamic acid 430 with glycine.
Molecular consequence: missense variant.
Genome position (GRCh38, 1-based): chr2:165,314,014, A>G. VCF-style: chr2-165314014-A-G. GRCh37 (hg19) VCF-style: chr2-166170524-A-G.
Other names: p.E430G:GAA>GGA; c.1289A>G, p.Glu430Gly (NM_001040143.2, NM_001371246.1, NM_001371247.1 and 1 more transcripts); short protein forms E430G.
Identifiers: ClinVar variation 207056 (VCV000207056.11), dbSNP rs796053183, ClinGen allele CA318120.